The following is an entry in ClinVar:

ClinVar aggregate classification (germline): Uncertain significance. Review status: criteria provided, multiple submitters, no conflicts (2 of 4 stars). 2 submissions from 2 submitters: Uncertain significance (2). Last evaluated 2024-11-25.

Allele frequency attached by ClinVar (database versions not stated): gnomAD exomes below 0.00001; gnomAD 0.00001.
gnomAD v4.1: 3 of 1,613,580 alleles (0.00019%); highest among the groups gnomAD compares: Admixed American, 0.0017%; no homozygotes.

Submissions (2):

GeneDx
Classification: Uncertain significance. Last evaluated: 2024-11-25. Review status: criteria provided, single submitter. Criteria: GeneDx Variant Classification Process June 2021. Collection method: clinical testing. Allele origin: germline. Affected: yes.
Comment: Not observed at significant frequency in large population cohorts (gnomAD); In silico analysis supports that this missense variant has a deleterious effect on protein structure/function; Has not been previously published as pathogenic or benign to our knowledge

Labcorp Genetics (formerly Invitae), Labcorp
Classification: Uncertain significance. Last evaluated: 2023-12-14. Review status: criteria provided, single submitter. Criteria: Invitae Variant Classification Sherloc (09022015). Collection method: clinical testing. Allele origin: germline.
Comment: This sequence change replaces arginine, which is basic and polar, with glutamine, which is neutral and polar, at codon 1304 of the SCN3A protein (p.Arg1304Gln). This variant is not present in population databases (gnomAD no frequency). This variant has not been reported in the literature in individuals affected with SCN3A-related conditions. ClinVar contains an entry for this variant (Variation ID: 665789). Advanced modeling of protein sequence and biophysical properties (such as structural, functional, and spatial information, amino acid conservation, physicochemical variation, residue mobility, and thermodynamic stability) performed at Invitae indicates that this missense variant is expected to disrupt SCN3A protein function with a positive predictive value of 80%. In summary, the available evidence is currently insufficient to determine the role of this variant in disease. Therefore, it has been classified as a Variant of Uncertain Significance.

NM_006922.4(SCN3A):c.3911G>A (p.Arg1304Gln)

Gene: SCN3A (sodium voltage-gated channel alpha subunit 3; minus strand). Cytogenetic location: 2q24.3.
Variant type: single nucleotide variant.
Coding change: c.3911G>A on transcript NM_006922.4 (MANE Select); coding-DNA position 3911, G replaced by A.
Protein change: p.Arg1304Gln; replaces arginine 1304 with glutamine.
Molecular consequence: missense variant.
Genome position (GRCh38, 1-based): chr2:165,100,357, C>T on the plus strand (G>A on the coding strand, the complement: SCN3A is on the minus strand). VCF-style: chr2-165100357-C-T. GRCh37 (hg19) VCF-style: chr2-165956867-C-T.
Other names: c.3764G>A, p.Arg1255Gln (NM_001081676.2, NM_001081677.2); short protein forms R1255Q, R1304Q.
Identifiers: ClinVar variation 665789 (VCV000665789.9), dbSNP rs1574106779, ClinGen allele CA349028123.
Genomic context (GRCh38, chr2:165,100,357, plus strand): 5'-CTTACCCTCATGCCTTCAAACCGGGATAAGGCTCTTAGAGGTCTTAAAGCTCTTAATGTC[C>T]GTAATGATTTGATGGCACCGAGTTCTGAGTAGCCAAGAGCATTGGCTACCAGGCTAACCA-3'
Protein context (NP_008853.3, residues 1294-1314): YSELGAIKSL[Arg1304Gln]TLRALRPLRA